The following is an entry in ClinVar:

ClinVar aggregate classification (germline): Conflicting classifications of pathogenicity. Review status: criteria provided, conflicting classifications (1 of 4 stars). 3 submissions from 3 submitters: Likely pathogenic (1); Uncertain significance (2). Last evaluated 2025-08-27.

Conditions:
Pigmentary pallidal degeneration (NBIA1). Also called: Pantothenate Kinase-Associated Neurodegeneration; Neurodegeneration with brain iron accumulation 1; HARP SYNDROME; Neuroaxonal dystrophy, late infantile; Hallervorden-Spatz disease; PKAN NEUROAXONAL DYSTROPHY, JUVENILE-ONSET. Identifiers: Orphanet 157850, MedGen C0018523, MONDO:0009319, OMIM 234200.

Submissions (3):

Mayo Clinic Laboratories, Mayo Clinic
Classification: Uncertain significance. Last evaluated: 2025-08-27. Review status: criteria provided, single submitter. Criteria: ACMG Guidelines, 2015. Collection method: clinical testing. Allele origin: germline. Observed: 1 variant allele.
Comment: PP3_moderate, PM2_supporting

Labcorp Genetics (formerly Invitae), Labcorp
Classification: Likely pathogenic for Pigmentary pallidal degeneration. Last evaluated: 2023-01-20. Review status: criteria provided, single submitter. Criteria: Invitae Variant Classification Sherloc (09022015). Collection method: clinical testing. Allele origin: germline.
Comment: This sequence change replaces aspartic acid, which is acidic and polar, with tyrosine, which is neutral and polar, at codon 452 of the PANK2 protein (p.Asp452Tyr). In summary, the currently available evidence indicates that the variant is pathogenic, but additional data are needed to prove that conclusively. Therefore, this variant has been classified as Likely Pathogenic. Advanced modeling of protein sequence and biophysical properties (such as structural, functional, and spatial information, amino acid conservation, physicochemical variation, residue mobility, and thermodynamic stability) performed at Invitae indicates that this missense variant is expected to disrupt PANK2 protein function. ClinVar contains an entry for this variant (Variation ID: 579492). This missense change has been observed in individual(s) with pantothenate kinase-associated neurodegeneration (Invitae). In at least one individual the data is consistent with being in trans (on the opposite chromosome) from a pathogenic variant. This variant is not present in population databases (gnomAD no frequency).

Blueprint Genetics
Classification: Uncertain significance. Last evaluated: 2018-11-05. Review status: criteria provided, single submitter. Criteria: ACMG Guidelines, 2015. Collection method: clinical testing. Allele origin: germline.

NM_001386393.1(PANK2):c.1024G>T (p.Asp342Tyr)

Gene: PANK2 (pantothenate kinase 2; plus strand). Cytogenetic location: 20p13.
Variant type: single nucleotide variant.
Coding change: c.1024G>T on transcript NM_001386393.1 (MANE Select); coding-DNA position 1024, G replaced by T.
Protein change: p.Asp342Tyr; replaces aspartic acid 342 with tyrosine.
Molecular consequence: missense variant. On other transcripts: non-coding transcript variant (1).
Genome position (GRCh38, 1-based): chr20:3,912,576, G>T. VCF-style: chr20-3912576-G-T. GRCh37 (hg19) VCF-style: chr20-3893223-G-T.
Other names: p.Asp452Tyr; c.481G>T, p.Asp161Tyr (NM_001324191.2, NM_024960.6, NM_153640.4); c.46G>T, p.Asp16Tyr (NM_001324193.2); c.1354G>T, p.Asp452Tyr (NM_153638.4); c.1354G>T (NM_153638.3); short protein forms D452Y, D161Y, D16Y, D342Y.
Identifiers: ClinVar variation 579492 (VCV000579492.10), dbSNP rs1568575271, ClinGen allele CA408117737.